The following is an entry in ClinVar:

NM_001171613.2(PREPL):c.163G>C (p.Val55Leu)

Gene: PREPL (prolyl endopeptidase like; minus strand). Cytogenetic location: 2p21.
Variant type: single nucleotide variant.
Coding change: c.163G>C on transcript NM_001171613.2 (MANE Select); coding-DNA position 163, G replaced by C.
Protein change: p.Val55Leu; replaces valine 55 with leucine.
Molecular consequence: missense variant.
Genome position (GRCh38, 1-based): chr2:44,343,931, C>G on the plus strand (G>C on the coding strand, the complement: PREPL is on the minus strand). VCF-style: chr2-44343931-C-G. GRCh37 (hg19) VCF-style: chr2-44571070-C-G.
Other names: c.430G>C, p.Val144Leu (NM_006036.4, NM_001042385.2, NM_001042386.2 and 4 more transcripts); c.163G>C, p.Val55Leu (NM_001171617.1, NM_001374277.1); short protein forms V144L, V55L.
Identifiers: ClinVar variation 478317 (VCV000478317.4), dbSNP rs1422302131, ClinGen allele CA346693630.

ClinVar aggregate classification (germline): Uncertain significance (1 of 4 stars; one submission).

Conditions:
Myasthenic syndrome, congenital, 22 (CMS22). Also called: PREPL DEFICIENCY. Identifiers: MedGen C4479088, MONDO:0044299, OMIM 616224.

Allele frequency attached by ClinVar (database versions not stated): gnomAD 0.00001; TOPMed 0.00001; gnomAD exomes 0.00002.
gnomAD v4.1: 36 of 1,613,688 alleles (0.0022%); highest among the groups gnomAD compares: Non-Finnish European, 0.0028%; no homozygotes.

Submission:

Labcorp Genetics (formerly Invitae), Labcorp
Classification: Uncertain significance for Myasthenic syndrome, congenital, 22. Last evaluated: 2021-10-25. Review status: criteria provided, single submitter. Criteria: Invitae Variant Classification Sherloc (09022015). Collection method: clinical testing. Allele origin: germline.
Comment: Algorithms developed to predict the effect of missense changes on protein structure and function are either unavailable or do not agree on the potential impact of this missense change (SIFT: "Deleterious"; PolyPhen-2: "Possibly Damaging"; Align-GVGD: "Class C0"). In summary, the available evidence is currently insufficient to determine the role of this variant in disease. Therefore, it has been classified as a Variant of Uncertain Significance. This variant has not been reported in the literature in individuals affected with PREPL-related conditions. This variant is not present in population databases (ExAC no frequency). This sequence change replaces valine with leucine at codon 144 of the PREPL protein (p.Val144Leu). The valine residue is highly conserved and there is a small physicochemical difference between valine and leucine.